The following is an entry in ClinVar:

NM_004484.4(GPC3):c.787T>A (p.Ser263Thr)

Gene: GPC3 (glypican 3; minus strand). Cytogenetic location: Xq26.2.
Variant type: single nucleotide variant.
Coding change: c.787T>A on transcript NM_004484.4 (MANE Select); coding-DNA position 787, T replaced by A.
Protein change: p.Ser263Thr; replaces serine 263 with threonine.
Molecular consequence: missense variant.
Genome position (GRCh38, 1-based): chrX:133,753,727, A>T on the plus strand (T>A on the coding strand, the complement: GPC3 is on the minus strand). VCF-style: chrX-133753727-A-T. GRCh37 (hg19) VCF-style: chrX-132887754-A-T.
Other names: c.787T>A, p.Ser263Thr (NM_001164617.2); c.739T>A, p.Ser247Thr (NM_001164618.2); c.625T>A, p.Ser209Thr (NM_001164619.2); short protein forms S247T, S263T, S209T.
Identifiers: ClinVar variation 1411462 (VCV001411462.8), dbSNP rs1447010765, ClinGen allele CA414705840.

ClinVar aggregate classification (germline): Uncertain significance (1 of 4 stars; one submission).

Conditions:
Wilms tumor 1 (WT1). Also called: Wilms tumor, somatic. Identifiers: Orphanet 654, MedGen CN033288, MONDO:0008679, OMIM 194070.

Allele frequency attached by ClinVar (database versions not stated): gnomAD exomes below 0.00001; gnomAD 0.00001; TOPMed 0.00001.
gnomAD v4.1: 4 of 1,209,539 alleles (0.00033%); highest among the groups gnomAD compares: Non-Finnish European, 0.00045%; no homozygotes.

Submission:

Labcorp Genetics (formerly Invitae), Labcorp
Classification: Uncertain significance for Wilms tumor 1. Last evaluated: 2024-04-09. Review status: criteria provided, single submitter. Criteria: Invitae Variant Classification Sherloc (09022015). Collection method: clinical testing. Allele origin: germline.
Comment: This sequence change replaces serine, which is neutral and polar, with threonine, which is neutral and polar, at codon 263 of the GPC3 protein (p.Ser263Thr). This variant is not present in population databases (gnomAD no frequency). This variant has not been reported in the literature in individuals affected with GPC3-related conditions. ClinVar contains an entry for this variant (Variation ID: 1411462). Advanced modeling of protein sequence and biophysical properties (such as structural, functional, and spatial information, amino acid conservation, physicochemical variation, residue mobility, and thermodynamic stability) performed at Invitae indicates that this missense variant is expected to disrupt GPC3 protein function with a positive predictive value of 80%. In summary, the available evidence is currently insufficient to determine the role of this variant in disease. Therefore, it has been classified as a Variant of Uncertain Significance.